The following is an entry in ClinVar:

NM_002473.6(MYH9):c.1766T>C (p.Met589Thr)

Gene: MYH9 (myosin heavy chain 9; minus strand). Cytogenetic location: 22q12.3.
Variant type: single nucleotide variant.
Coding change: c.1766T>C on transcript NM_002473.6 (MANE Select); coding-DNA position 1766, T replaced by C.
Protein change: p.Met589Thr; replaces methionine 589 with threonine.
Molecular consequence: missense variant.
Genome position (GRCh38, 1-based): chr22:36,309,359, A>G on the plus strand (T>C on the coding strand, the complement: MYH9 is on the minus strand). VCF-style: chr22-36309359-A-G. GRCh37 (hg19) VCF-style: chr22-36705404-A-G.
Other names: short protein forms M589T.
Identifiers: ClinVar variation 4746182 (VCV004746182.1).
Genomic context (GRCh38, chr22:36,309,359, plus strand): 5'-GAGACAAACTTGTCAGAGGACTGGTGGAGCAGTGTGGCGATGTTGTCATTCAGGGGATCC[A>G]TGTTCTTCATCAGCCACTCGTCAGCTTTGTAATCCACCTGGCGGGGTCAGAGAGGCAGGA-3'
Protein context (NP_002464.1, residues 579-599): YKADEWLMKN[Met589Thr]DPLNDNIATL

ClinVar aggregate classification (germline): Uncertain significance (1 of 4 stars; one submission).

gnomAD v4.1: 1 of 1,614,190 alleles (0.000062%); highest among the groups gnomAD compares: Non-Finnish European, 0.000085%; no homozygotes.

Submission:

Labcorp Genetics (formerly Invitae), Labcorp
Classification: Uncertain significance. Last evaluated: 2025-04-01. Review status: criteria provided, single submitter. Criteria: Invitae Variant Classification Sherloc (09022015). Collection method: clinical testing. Allele origin: germline.
Comment: This sequence change replaces methionine, which is neutral and non-polar, with threonine, which is neutral and polar, at codon 589 of the MYH9 protein (p.Met589Thr). This variant is not present in population databases (gnomAD no frequency). This variant has not been reported in the literature in individuals affected with MYH9-related conditions. Invitae Evidence Modeling of protein sequence and biophysical properties (such as structural, functional, and spatial information, amino acid conservation, physicochemical variation, residue mobility, and thermodynamic stability) has been performed for this missense variant. However, the output from this modeling did not meet the statistical confidence thresholds required to predict the impact of this variant on MYH9 protein function. In summary, the available evidence is currently insufficient to determine the role of this variant in disease. Therefore, it has been classified as a Variant of Uncertain Significance.